The following is an entry in ClinVar:

NM_000179.3(MSH6):c.2532G>A (p.Met844Ile)

Gene: MSH6 (mutS homolog 6; plus strand). Cytogenetic location: 2p16.3.
Variant type: single nucleotide variant.
Coding change: c.2532G>A on transcript NM_000179.3 (MANE Select); coding-DNA position 2532, G replaced by A.
Protein change: p.Met844Ile; replaces methionine 844 with isoleucine.
Molecular consequence: missense variant.
Genome position (GRCh38, 1-based): chr2:47,800,515, G>A. VCF-style: chr2-47800515-G-A. GRCh37 (hg19) VCF-style: chr2-48027654-G-A.
Other names: c.2142G>A, p.Met714Ile (NM_001281492.2); c.1626G>A, p.Met542Ile (NM_001281493.2, NM_001281494.2); short protein forms M844I, M714I, M542I.
Identifiers: ClinVar variation 185020 (VCV000185020.14), dbSNP rs786201873, ClinGen allele CA010359.

ClinVar aggregate classification (germline): Uncertain significance. Review status: criteria provided, multiple submitters, no conflicts (2 of 4 stars). 2 submissions from 2 submitters: Uncertain significance (2). Last evaluated 2025-08-20.

Conditions:
Hereditary nonpolyposis colorectal neoplasms. Identifiers: MedGen C0009405, MeSH D003123.
Hereditary cancer-predisposing syndrome. Also called: Hereditary neoplastic syndrome; Neoplastic Syndromes, Hereditary; Tumor predisposition; Hereditary Cancer Syndrome. Identifiers: Orphanet 140162, MedGen C0027672, MeSH D009386, MONDO:0015356.

Allele frequency attached by ClinVar (database versions not stated): gnomAD exomes below 0.00001.
gnomAD v4.1: 1 of 1,613,114 alleles (0.000062%); no homozygotes.

Submissions (2):

Labcorp Genetics (formerly Invitae), Labcorp
Classification: Uncertain significance for Hereditary nonpolyposis colorectal neoplasms. Last evaluated: 2025-08-20. Review status: criteria provided, single submitter. Criteria: Invitae Variant Classification Sherloc (09022015). Collection method: clinical testing. Allele origin: germline.
Comment: This sequence change replaces methionine, which is neutral and non-polar, with isoleucine, which is neutral and non-polar, at codon 844 of the MSH6 protein (p.Met844Ile). This variant is not present in population databases (gnomAD no frequency). This variant has not been reported in the literature in individuals affected with MSH6-related conditions. ClinVar contains an entry for this variant (Variation ID: 185020). Invitae Evidence Modeling of protein sequence and biophysical properties (such as structural, functional, and spatial information, amino acid conservation, physicochemical variation, residue mobility, and thermodynamic stability) indicates that this missense variant is not expected to disrupt MSH6 protein function with a negative predictive value of 95%. In summary, the available evidence is currently insufficient to determine the role of this variant in disease. Therefore, it has been classified as a Variant of Uncertain Significance.

Ambry Genetics
Classification: Uncertain significance for Hereditary cancer-predisposing syndrome. Last evaluated: 2024-07-18. Review status: criteria provided, single submitter. Criteria: Ambry Variant Classification Scheme 2023. Collection method: clinical testing. Allele origin: germline.
Comment: The p.M844I variant (also known as c.2532G>A), located in coding exon 4 of the MSH6 gene, results from a G to A substitution at nucleotide position 2532. The methionine at codon 844 is replaced by isoleucine, an amino acid with highly similar properties. This amino acid position is not well conserved in available vertebrate species. In addition, the in silico prediction for this alteration is inconclusive. Based on the available evidence, the clinical significance of this variant remains unclear.